The following is an entry in ClinVar:

NM_001845.6(COL4A1):c.3874C>T (p.Pro1292Ser)

Gene: COL4A1 (collagen type IV alpha 1 chain; minus strand). Cytogenetic location: 13q34.
Variant type: single nucleotide variant.
Coding change: c.3874C>T on transcript NM_001845.6 (MANE Select); coding-DNA position 3874, C replaced by T.
Protein change: p.Pro1292Ser; replaces proline 1292 with serine.
Molecular consequence: missense variant.
Genome position (GRCh38, 1-based): chr13:110,169,631, G>A on the plus strand (C>T on the coding strand, the complement: COL4A1 is on the minus strand). VCF-style: chr13-110169631-G-A. GRCh37 (hg19) VCF-style: chr13-110821978-G-A.
Other names: short protein forms P1292S.
Identifiers: ClinVar variation 3600908 (VCV003600908.1).
Genomic context (GRCh38, chr13:110,169,631, plus strand): 5'-ATACTTCTGGCCAGAAAAGACTCCTTTAAAAATAAAAATCTACAAATCAATAACTCACAG[G>A]CATGCCCTGGAATCCAGGGTCTCCCTTGGGCCCTGGGACACCGGGTGCTCCTGGCCAGCC-3'
Protein context (NP_001836.3, residues 1282-1302): PKGDPGFQGM[Pro1292Ser]GIGGSPGITG

ClinVar aggregate classification (germline): Uncertain significance (1 of 4 stars; one submission).

Submission:

GeneDx
Classification: Uncertain significance. Last evaluated: 2024-07-24. Review status: criteria provided, single submitter. Criteria: GeneDx Variant Classification Process June 2021. Collection method: clinical testing. Allele origin: germline. Affected: yes.
Comment: Has not been previously published as pathogenic or benign to our knowledge; Not observed at significant frequency in large population cohorts (gnomAD); Occurs in the triple helical domain at the Y position in the canonical Gly-X-Y repeat; although this variant may have an effect on normal protein folding and function, missense substitution at the Y position is not a common mechanism of disease; In silico analysis supports that this missense variant has a deleterious effect on protein structure/function